The following is an entry in ClinVar:

ClinVar aggregate classification (germline): Uncertain significance (0 of 4 stars; one submission).

Conditions:
HCCS-related disorder. Also called: HCCS-related condition.

Submission:

PreventionGenetics, part of Exact Sciences
Classification: Uncertain significance for HCCS-related condition. Last evaluated: 2023-12-01. Review status: no assertion criteria provided. Collection method: clinical testing. Allele origin: germline.
Comment: The HCCS c.461A>C variant is predicted to result in the amino acid substitution p.His154Pro. This variant is present in the literature (Franco et al. 2022. PubMed ID: 36369709). This variant has not been reported in a large population database, indicating this variant is rare. At this time, the clinical significance of this variant is uncertain due to the absence of conclusive functional and genetic evidence.

NM_005333.5(HCCS):c.461A>C (p.His154Pro)

Gene: HCCS (holocytochrome c synthase; plus strand). Cytogenetic location: Xp22.2.
Variant type: single nucleotide variant.
Coding change: c.461A>C on transcript NM_005333.5 (MANE Select); coding-DNA position 461, A replaced by C.
Protein change: p.His154Pro; replaces histidine 154 with proline.
Molecular consequence: missense variant.
Genome position (GRCh38, 1-based): chrX:11,118,560, A>C. VCF-style: chrX-11118560-A-C. GRCh37 (hg19) VCF-style: chrX-11136680-A-C.
Other names: c.461A>C, p.His154Pro (NM_001122608.3, NM_001171991.3); short protein forms H154P.
Identifiers: ClinVar variation 3030034 (VCV003030034.2), dbSNP rs2518476285, ClinGen allele CA412054988.